The following is an entry in ClinVar:

NM_001457.4(FLNB):c.6238G>A (p.Val2080Met)

Gene: FLNB (filamin B; plus strand). Cytogenetic location: 3p14.3.
Variant type: single nucleotide variant.
Coding change: c.6238G>A on transcript NM_001457.4 (MANE Select); coding-DNA position 6238, G replaced by A.
Protein change: p.Val2080Met; replaces valine 2080 with methionine.
Molecular consequence: missense variant.
Genome position (GRCh38, 1-based): chr3:58,149,996, G>A. VCF-style: chr3-58149996-G-A. GRCh37 (hg19) VCF-style: chr3-58135723-G-A.
Other names: c.6331G>A, p.Val2111Met (NM_001164317.2); c.6205G>A, p.Val2069Met (NM_001164318.2); c.6166G>A, p.Val2056Met (NM_001164319.2); short protein forms V2069M, V2080M, V2111M, V2056M.
Identifiers: ClinVar variation 1394173 (VCV001394173.8), dbSNP rs750044444, ClinGen allele CA2469283.

ClinVar aggregate classification (germline): Uncertain significance (1 of 4 stars; one submission).

Allele frequency attached by ClinVar (database versions not stated): gnomAD exomes 0.00001; TOPMed 0.00001; ExAC 0.00002.
gnomAD v4.1: 17 of 1,614,270 alleles (0.0011%); highest among the groups gnomAD compares: East Asian, 0.0022%; no homozygotes.

Submission:

Labcorp Genetics (formerly Invitae), Labcorp
Classification: Uncertain significance. Last evaluated: 2025-08-22. Review status: criteria provided, single submitter. Criteria: Invitae Variant Classification Sherloc (09022015). Collection method: clinical testing. Allele origin: germline.
Comment: This sequence change replaces valine, which is neutral and non-polar, with methionine, which is neutral and non-polar, at codon 2080 of the FLNB protein (p.Val2080Met). This variant is present in population databases (rs750044444, gnomAD 0.006%). This variant has not been reported in the literature in individuals affected with FLNB-related conditions. ClinVar contains an entry for this variant (Variation ID: 1394173). Invitae Evidence Modeling of protein sequence and biophysical properties (such as structural, functional, and spatial information, amino acid conservation, physicochemical variation, residue mobility, and thermodynamic stability) indicates that this missense variant is not expected to disrupt FLNB protein function with a negative predictive value of 95%. In summary, the available evidence is currently insufficient to determine the role of this variant in disease. Therefore, it has been classified as a Variant of Uncertain Significance.